The following is an entry in ClinVar:

ClinVar aggregate classification (germline): Uncertain significance (1 of 4 stars; one submission).

Allele frequency attached by ClinVar (database versions not stated): gnomAD exomes below 0.00001.

Submission:

Labcorp Genetics (formerly Invitae), Labcorp
Classification: Uncertain significance. Last evaluated: 2022-08-20. Review status: criteria provided, single submitter. Criteria: Invitae Variant Classification Sherloc (09022015). Collection method: clinical testing. Allele origin: germline.
Comment: Advanced modeling of protein sequence and biophysical properties (such as structural, functional, and spatial information, amino acid conservation, physicochemical variation, residue mobility, and thermodynamic stability) performed at Invitae indicates that this missense variant is not expected to disrupt OCA2 protein function. This variant has not been reported in the literature in individuals affected with OCA2-related conditions. This variant is not present in population databases (gnomAD no frequency). This sequence change replaces leucine, which is neutral and non-polar, with phenylalanine, which is neutral and non-polar, at codon 520 of the OCA2 protein (p.Leu520Phe). In summary, the available evidence is currently insufficient to determine the role of this variant in disease. Therefore, it has been classified as a Variant of Uncertain Significance.

NM_000275.3(OCA2):c.1558C>T (p.Leu520Phe)

Gene: OCA2 (OCA2 melanosomal transmembrane protein; minus strand). Cytogenetic location: 15q13.1.
Variant type: single nucleotide variant.
Coding change: c.1558C>T on transcript NM_000275.3 (MANE Select); coding-DNA position 1558, C replaced by T.
Protein change: p.Leu520Phe; replaces leucine 520 with phenylalanine.
Molecular consequence: missense variant.
Genome position (GRCh38, 1-based): chr15:27,966,768, G>A on the plus strand (C>T on the coding strand, the complement: OCA2 is on the minus strand). VCF-style: chr15-27966768-G-A. GRCh37 (hg19) VCF-style: chr15-28211914-G-A.
Other names: c.1486C>T, p.Leu496Phe (NM_001300984.2); short protein forms L496F, L520F.
Identifiers: ClinVar variation 2126015 (VCV002126015.4), dbSNP rs2040582560, ClinGen allele CA391357114.